The following is an entry in ClinVar:

NM_000260.4(MYO7A):c.35T>C (p.Met12Thr)

Gene: MYO7A (myosin VIIA; plus strand). Cytogenetic location: 11q13.5.
Variant type: single nucleotide variant.
Coding change: c.35T>C on transcript NM_000260.4 (MANE Select); coding-DNA position 35, T replaced by C.
Protein change: p.Met12Thr; replaces methionine 12 with threonine.
Molecular consequence: missense variant. On other transcripts: initiator codon variant (1).
Genome position (GRCh38, 1-based): chr11:77,142,725, T>C. VCF-style: chr11-77142725-T-C. GRCh37 (hg19) VCF-style: chr11-76853771-T-C.
Other names: c.35T>C, p.Met12Thr (NM_001127180.2); c.2T>C, p.Met1Thr (NM_001369365.1); short protein forms M12T, M1T.
Identifiers: ClinVar variation 1411925 (VCV001411925.3), dbSNP rs782409363, ClinGen allele CA6197009.

ClinVar aggregate classification (germline): Uncertain significance (1 of 4 stars; one submission).

Allele frequency attached by ClinVar (database versions not stated): gnomAD exomes below 0.00001; TOPMed below 0.00001; ExAC 0.00001; gnomAD 0.00001.

Submission:

Labcorp Genetics (formerly Invitae), Labcorp
Classification: Uncertain significance. Last evaluated: 2022-05-17. Review status: criteria provided, single submitter. Criteria: Invitae Variant Classification Sherloc (09022015). Collection method: clinical testing. Allele origin: germline.
Comment: This sequence change replaces methionine, which is neutral and non-polar, with threonine, which is neutral and polar, at codon 12 of the MYO7A protein (p.Met12Thr). The frequency data for this variant in the population databases is considered unreliable, as metrics indicate poor data quality at this position in the gnomAD database. This variant has not been reported in the literature in individuals affected with MYO7A-related conditions. Advanced modeling of protein sequence and biophysical properties (such as structural, functional, and spatial information, amino acid conservation, physicochemical variation, residue mobility, and thermodynamic stability) performed at Invitae indicates that this missense variant is not expected to disrupt MYO7A protein function. In summary, the available evidence is currently insufficient to determine the role of this variant in disease. Therefore, it has been classified as a Variant of Uncertain Significance.